The following is an entry in ClinVar:

ClinVar aggregate classification (germline): Uncertain significance (1 of 4 stars; one submission).

Conditions:
Neuronal ceroid lipofuscinosis 11. Also called: GRN-Related Neuronal Ceroid-Lipofuscinosis. Identifiers: Orphanet 314629, Orphanet 79262, MedGen C3539123, MONDO:0013866, OMIM 614706.
GRN-related frontotemporal lobar degeneration with Tdp43 inclusions (FTD2). Also called: DEMENTIA, HEREDITARY DYSPHASIC DISINHIBITION; FRONTOTEMPORAL LOBAR DEGENERATION WITH UBIQUITIN-POSITIVE INCLUSIONS; FTLD-TDP, GRN-RELATED; GRN Frontotemporal Dementia; FRONTOTEMPORAL DEMENTIA WITH TDP43 INCLUSIONS, GRN-RELATED. Identifiers: Orphanet 100070, Orphanet 282, MedGen C1843792, MONDO:0011842, OMIM 607485. Disease mechanism: loss of function.

Submission:

Labcorp Genetics (formerly Invitae), Labcorp
Classification: Uncertain significance for Neuronal ceroid lipofuscinosis 11; GRN-related frontotemporal lobar degeneration with Tdp43 inclusions. Last evaluated: 2021-11-10. Review status: criteria provided, single submitter. Criteria: Invitae Variant Classification Sherloc (09022015). Collection method: clinical testing. Allele origin: germline.
Comment: In summary, the available evidence is currently insufficient to determine the role of this variant in disease. Therefore, it has been classified as a Variant of Uncertain Significance. Algorithms developed to predict the effect of missense changes on protein structure and function output the following: SIFT: "Tolerated"; PolyPhen-2: "Benign"; Align-GVGD: "Class C0". The threonine amino acid residue is found in multiple mammalian species, which suggests that this missense change does not adversely affect protein function. This variant has not been reported in the literature in individuals affected with GRN-related conditions. This variant is present in population databases (rs747362041, gnomAD 0.006%). This sequence change replaces alanine, which is neutral and non-polar, with threonine, which is neutral and polar, at codon 266 of the GRN protein (p.Ala266Thr).

NM_002087.4(GRN):c.796G>A (p.Ala266Thr)

Gene: GRN (granulin precursor; plus strand). Cytogenetic location: 17q21.31.
Variant type: single nucleotide variant.
Coding change: c.796G>A on transcript NM_002087.4 (MANE Select); coding-DNA position 796, G replaced by A.
Protein change: p.Ala266Thr; replaces alanine 266 with threonine.
Molecular consequence: missense variant.
Genome position (GRCh38, 1-based): chr17:44,351,124, G>A. VCF-style: chr17-44351124-G-A. GRCh37 (hg19) VCF-style: chr17-42428492-G-A.
Other names: short protein forms A266T.
Identifiers: ClinVar variation 1432197 (VCV001432197.6), dbSNP rs747362041, ClinGen allele CA8602014.
Genomic context (GRCh38, chr17:44,351,124, plus strand): 5'-TGCTGCCCCCAAGACACTGTGTGTGACCTGATCCAGAGTAAGTGCCTCTCCAAGGAGAAC[G>A]CTACCACGGACCTCCTCACTAAGCTGCCTGCGCACACAGGTACCAGAGGCAGGGTGCAGA-3'
Protein context (NP_002078.1, residues 256-276): IQSKCLSKEN[Ala266Thr]TTDLLTKLPA